The following is an entry in ClinVar:

NM_000186.4(CFH):c.95T>A (p.Ile32Asn)

Gene: CFH (complement factor H; plus strand). Cytogenetic location: 1q31.3.
Variant type: single nucleotide variant.
Coding change: c.95T>A on transcript NM_000186.4 (MANE Select); coding-DNA position 95, T replaced by A.
Protein change: p.Ile32Asn; replaces isoleucine 32 with asparagine.
Molecular consequence: missense variant.
Genome position (GRCh38, 1-based): chr1:196,673,014, T>A. VCF-style: chr1-196673014-T-A. GRCh37 (hg19) VCF-style: chr1-196642144-T-A.
Other names: c.95T>A, p.Ile32Asn (NM_001014975.3); short protein forms I32N.
Identifiers: ClinVar variation 1994867 (VCV001994867.4), dbSNP rs2529329257, ClinGen allele CA343995456.

ClinVar aggregate classification (germline): Uncertain significance (1 of 4 stars; one submission).

Allele frequency attached by ClinVar (database versions not stated): gnomAD exomes below 0.00001.
gnomAD v4.1: 2 of 1,614,028 alleles (0.00012%); highest among the groups gnomAD compares: African/African-American, 0.0013%; no homozygotes.

Submission:

Labcorp Genetics (formerly Invitae), Labcorp
Classification: Uncertain significance. Last evaluated: 2022-06-04. Review status: criteria provided, single submitter. Criteria: Invitae Variant Classification Sherloc (09022015). Collection method: clinical testing. Allele origin: germline.
Comment: This sequence change replaces isoleucine, which is neutral and non-polar, with asparagine, which is neutral and polar, at codon 32 of the CFH protein (p.Ile32Asn). This variant is not present in population databases (gnomAD no frequency). This variant has not been reported in the literature in individuals affected with CFH-related conditions. Algorithms developed to predict the effect of missense changes on protein structure and function are either unavailable or do not agree on the potential impact of this missense change (SIFT: "Deleterious"; PolyPhen-2: "Possibly Damaging"; Align-GVGD: "Class C0"). In summary, the available evidence is currently insufficient to determine the role of this variant in disease. Therefore, it has been classified as a Variant of Uncertain Significance.